The following is an entry in ClinVar:

NM_138454.2(NXNL1):c.36C>A (p.Arg12=)

Gene: NXNL1 (nucleoredoxin like 1; minus strand). Cytogenetic location: 19p13.11.
Variant type: single nucleotide variant.
Coding change: c.36C>A on transcript NM_138454.2 (MANE Select); coding-DNA position 36, C replaced by A.
Protein change: p.Arg12=; no amino-acid change (arginine 12 retained).
Molecular consequence: synonymous variant.
Genome position (GRCh38, 1-based): chr19:17,460,834, G>T on the plus strand (C>A on the coding strand, the complement: NXNL1 is on the minus strand). VCF-style: chr19-17460834-G-T. GRCh37 (hg19) VCF-style: chr19-17571643-G-T.
Other names: c.36C>A (NM_138454.1).
Identifiers: ClinVar variation 2649544 (VCV002649544.25), dbSNP rs147394576, ClinGen allele CA9295011.
Genomic context (GRCh38, chr19:17,460,834, plus strand): 5'-GTTCTCCAGCCTGCGACTGACCTCAGCCTCCGTATCCAGCTCGTCCTGGTCGCTATTGTT[G>T]CGGATCAGGATGCGGCCAGAGAACAGGGAGGCCATGGTAACCTGGGTTGGGTGCTGGGGA-3'
Protein context (NP_612463.1, residues 2-22): ASLFSGRILI[Arg12=]NNSDQDELDT

ClinVar aggregate classification (germline): Likely benign. Review status: criteria provided, multiple submitters, no conflicts (2 of 4 stars). 2 submissions from 2 submitters: Likely benign (2). Last evaluated 2025-09-24.

Conditions:
NXNL1-related disorder. Also called: NXNL1-related condition.

Allele frequency attached by ClinVar (database versions not stated): TOPMed 0.00018; gnomAD 0.00019; ExAC 0.00020; ESP Exome Variant Server 0.00031.
gnomAD v4.1: 375 of 1,613,756 alleles (0.023%); highest among the groups gnomAD compares: Middle Eastern, 0.082%; no homozygotes.

Submissions (2):

PreventionGenetics, part of Exact Sciences
Classification: Likely benign for NXNL1-related condition. Last evaluated: 2025-09-24. Review status: criteria provided, single submitter. Criteria: ACMG Guidelines, 2015. Collection method: clinical testing. Allele origin: germline.
Comment: This variant is classified as likely benign based on ACMG/AMP sequence variant interpretation guidelines (Richards et al. 2015 PMID: 25741868, with internal and published modifications).

CeGaT Center for Human Genetics Tuebingen
Classification: Likely benign. Last evaluated: 2022-08-01. Review status: criteria provided, single submitter. Criteria: CeGaT Center For Human Genetics Tuebingen Variant Classification Criteria Version 2. Collection method: clinical testing. Allele origin: germline. Affected: yes. Observed: 1 variant allele.
Comment: NXNL1: BP4, BP7